The following is an entry in ClinVar:

NM_000384.3(APOB):c.4753A>G (p.Asn1585Asp)

Gene: APOB (apolipoprotein B; minus strand). Cytogenetic location: 2p24.1.
Variant type: single nucleotide variant.
Coding change: c.4753A>G on transcript NM_000384.3 (MANE Select); coding-DNA position 4753, A replaced by G.
Protein change: p.Asn1585Asp; replaces asparagine 1585 with aspartic acid.
Molecular consequence: missense variant.
Genome position (GRCh38, 1-based): chr2:21,012,115, T>C on the plus strand (A>G on the coding strand, the complement: APOB is on the minus strand). VCF-style: chr2-21012115-T-C. GRCh37 (hg19) VCF-style: chr2-21234987-T-C.
Other names: short protein forms N1585D.
Identifiers: ClinVar variation 1742855 (VCV001742855.5), dbSNP rs765124350, ClinGen allele CA061262.
Genomic context (GRCh38, chr2:21,012,115, plus strand): 5'-CAGCCTGATATTCAGAACGCAGCAGTGCATTTTGCTTAGAGAAGGTCATATCCATCTTGT[T>C]AGAAGTGGCAAAGTTCTTATACTTCCCATTGGTGTCAGATTTTAAAGTCAGCTCGTAGTT-3'
Protein context (NP_000375.3, residues 1575-1595): NGKYKNFATS[Asn1585Asp]KMDMTFSKQN

ClinVar aggregate classification (germline): Conflicting classifications of pathogenicity. Review status: criteria provided, conflicting classifications (1 of 4 stars). 2 submissions from 2 submitters: Uncertain significance (1); Likely benign (1). Last evaluated 2023-12-19.

Conditions:
Familial hypobetalipoproteinemia 1. Also called: APOB-Related Familial Hypobetalipoproteinemia; Hypobetalipoproteinemia, normotriglyceridemic; Acanthocytosis with hypobetalipoproteinemia. Identifiers: MedGen C4551990, MONDO:0014252, OMIM 615558.
Hypercholesterolemia, autosomal dominant, type B (FHCL2). Also called: Hyperlipoproteinemia Type IIb; Familial hypercholesterolemia 2; Familial Hypercholesterolemia Type B; APOLIPOPROTEIN B-100, FAMILIAL DEFECTIVE; APOLIPOPROTEIN B-100, FAMILIAL LIGAND-DEFECTIVE; HYPERCHOLESTEROLEMIA, FAMILIAL, DUE TO LIGAND-DEFECTIVE APOLIPOPROTEIN B. Identifiers: MedGen C1704417, MONDO:0007751, OMIM 144010.
Cardiovascular phenotype. Identifiers: MedGen CN230736.

Allele frequency attached by ClinVar (database versions not stated): ExAC 0.00001; gnomAD 0.00001.

Submissions (2):

Labcorp Genetics (formerly Invitae), Labcorp
Classification: Likely benign for Familial hypobetalipoproteinemia 1; Hypercholesterolemia, autosomal dominant, type B. Last evaluated: 2023-12-19. Review status: criteria provided, single submitter. Criteria: Invitae Variant Classification Sherloc (09022015). Collection method: clinical testing. Allele origin: germline.

Ambry Genetics
Classification: Uncertain significance for Cardiovascular phenotype. Last evaluated: 2017-10-13. Review status: criteria provided, single submitter. Criteria: Ambry Variant Classification Scheme 2023. Collection method: clinical testing. Allele origin: germline.
Comment: The p.N1585D variant (also known as c.4753A>G), located in coding exon 26 of the APOB gene, results from an A to G substitution at nucleotide position 4753. The asparagine at codon 1585 is replaced by aspartic acid, an amino acid with highly similar properties. This amino acid position is not well conserved in available vertebrate species. In addition, this alteration is predicted to be tolerated by in silico analysis. Since supporting evidence is limited at this time, the clinical significance of this alteration remains unclear.